The following is an entry in ClinVar:

NM_175914.5(HNF4A):c.*2600T>C

Gene: HNF4A (hepatocyte nuclear factor 4 alpha; plus strand). Cytogenetic location: 20q13.12.
Variant type: single nucleotide variant.
Coding change: c.*2600T>C on transcript NM_175914.5 (MANE Select); 2600 bases downstream of the stop codon, T replaced by C.
Molecular consequence: 3 prime UTR variant.
Genome position (GRCh38, 1-based): chr20:44,432,265, T>C. VCF-style: chr20-44432265-T-C. GRCh37 (hg19) VCF-style: chr20-43060905-T-C.
Other names: c.*2600T>C (NM_000457.6, NM_001030003.3, NM_001258355.2 and 3 more transcripts).
Identifiers: ClinVar variation 338473 (VCV000338473.6), dbSNP rs886056689, ClinGen allele CA10653132.

ClinVar aggregate classification (germline): Benign (1 of 4 stars; one submission).

Conditions:
Maturity-onset diabetes of the young (MODY). Also called: Maturity onset diabetes mellitus in young. Identifiers: Orphanet 552, MedGen C0342276, MONDO:0018911, HP:0004904.

Allele frequency attached by ClinVar (database versions not stated): TOPMed 0.00002.

Submission:

Clinical Genomics, Uppaluri K&H Personalized Medicine Clinic
Classification: Benign for Maturity-onset diabetes of the young. Review status: criteria provided, single submitter. Criteria: K & H Uppaluri Personalized Medicine Clinic Variant Classification & Assertion Criteria_Updated V.1. Collection method: research. Allele origin: unknown. Inheritance: Autosomal dominant inheritance.
Comment: Potent mutations in HNF4A are associated with poor insulin secretion in response to hyperglycemia. Associated with MODY1. Patients initially respond well to sulfonylureas but eventually become insulin dependent. However, more evidence is required to ascertain the role of this particular variant rs886056689 in MODY, yet.

Literature cited by the submitters: DOI 10.1159/000334532; PubMed 18268044; PubMed 17563455; PubMed 32583173; PubMed 35052457; PubMed 35118593.